The following is an entry in ClinVar:

NM_000170.3(GLDC):c.2189del (p.Asn730fs)

Gene: GLDC (glycine decarboxylase; minus strand). Cytogenetic location: 9p24.1.
Variant type: Deletion.
Coding change: c.2189del on transcript NM_000170.3 (MANE Select); coding-DNA position 2189, one base deleted (A; older notation c.2189delA).
Protein change: p.Asn730fs; shifts the reading frame from asparagine 730.
Molecular consequence: frameshift variant.
Genome position (GRCh38, 1-based): chr9:6,556,166, T deleted on the plus strand (A on the coding strand, the reverse complement: GLDC is on the minus strand); the first of 3 consecutive T bases (chr9:6,556,166-6,556,168); deleting any one gives the same sequence. VCF-style (leftmost placement, unchanged base first): chr9-6556165-AT-A. GRCh37 (hg19) VCF-style: chr9-6556165-AT-A.
Other names: short protein forms N730fs.
Identifiers: ClinVar variation 1723982 (VCV001723982.3), dbSNP rs2489036171, ClinGen allele CA2580080252.

ClinVar aggregate classification (germline): Likely pathogenic. Review status: criteria provided, multiple submitters, no conflicts (2 of 4 stars). 2 submissions from 2 submitters: Likely pathogenic (2). Last evaluated 2024-02-22.

Conditions:
Glycine encephalopathy. Also called: Non-ketotic hyperglycinemia; Nonketotic hyperglycinemia. Identifiers: Orphanet 407, MedGen C0751748, MONDO:0011612, HP:0008288.
Glycine encephalopathy 1 (GCE1). Identifiers: MedGen CN376801, MONDO:0958179, OMIM 605899.

Submissions (2):

Fulgent Genetics
Classification: Likely pathogenic for Glycine encephalopathy 1. Last evaluated: 2024-02-22. Review status: criteria provided, single submitter. Criteria: ACMG Guidelines, 2015. Collection method: clinical testing. Allele origin: germline.

Myriad Genetics, Inc.
Classification: Likely pathogenic for Glycine encephalopathy 1. Last evaluated: 2022-01-21. Review status: criteria provided, single submitter. Criteria: Myriad Women's Health Autosomal Recessive and X-Linked Classification Criteria (2021). Collection method: clinical testing. Allele origin: unknown.
Comment: NM_000170.2(GLDC):c.2189delA(N730Ifs*2) is expected to be pathogenic in the context of glycine encephalopathy, GLDC-related. This variant is predicted to lead to an abnormal or absent protein product due to the creation of a premature termination codon in GLDC, a gene where loss-of-function variants are known to be pathogenic. Please note: this variant was assessed in the context of healthy population screening.